The following is an entry in ClinVar:

NM_002691.4(POLD1):c.947A>G (p.Asp316Gly)

Gene: POLD1 (DNA polymerase delta 1, catalytic subunit; plus strand). Cytogenetic location: 19q13.33.
Variant type: single nucleotide variant.
Coding change: c.947A>G on transcript NM_002691.4 (MANE Select); coding-DNA position 947, A replaced by G.
Protein change: p.Asp316Gly; replaces aspartic acid 316 with glycine.
Molecular consequence: missense variant. On other transcripts: non-coding transcript variant (1).
Genome position (GRCh38, 1-based): chr19:50,402,718, A>G. VCF-style: chr19-50402718-A-G. GRCh37 (hg19) VCF-style: chr19-50905975-A-G.
Other names: c.947A>G, p.Asp316Gly (NM_001256849.1, NM_001308632.1); short protein forms D316G.
Identifiers: ClinVar variation 484377 (VCV000484377.5), dbSNP rs1555790301, ClinGen allele CA406977341.

ClinVar aggregate classification (germline): Uncertain significance (1 of 4 stars; one submission).

Conditions:
Hereditary cancer-predisposing syndrome. Also called: Neoplastic Syndromes, Hereditary; Tumor predisposition; Hereditary Cancer Syndrome; Hereditary neoplastic syndrome. Identifiers: Orphanet 140162, MedGen C0027672, MeSH D009386, MONDO:0015356.

Submission:

Ambry Genetics
Classification: Uncertain significance for Hereditary cancer-predisposing syndrome. Last evaluated: 2022-03-25. Review status: criteria provided, single submitter. Criteria: Ambry Variant Classification Scheme 2023. Collection method: clinical testing. Allele origin: germline.
Comment: The p.D316G variant (also known as c.947A>G), located in coding exon 7 of the POLD1 gene, results from an A to G substitution at nucleotide position 947. The aspartic acid at codon 316 is replaced by glycine, an amino acid with similar properties. This alteration has been identified in a Lynch syndrome-like family and considered pathogenic by authors (Bellido F et al, Genet. Med. 2016 Apr; 18(4):325-32). This amino acid position is well conserved in available vertebrate species. In addition, this alteration is predicted to be deleterious by in silico analysis. Since supporting evidence is limited at this time, the clinical significance of this alteration remains unclear.

Literature cited by the submitters: PubMed 26133394.